The following is an entry in ClinVar:

ClinVar aggregate classification (germline): Uncertain significance. Review status: criteria provided, multiple submitters, no conflicts (2 of 4 stars). 4 submissions from 4 submitters: Uncertain significance (3). 1 of the submissions does not count toward it. Last evaluated 2025-01-14.

Conditions:
Inborn genetic diseases. Identifiers: MedGen C0950123, MeSH D030342.
Pyruvate dehydrogenase E2 deficiency (PDHDD). Also called: Dihydrolipoamide Acetyltransferase (E2) Deficiency; LACTIC ACIDEMIA DUE TO DEFECT OF E2 LIPOYL TRANSACETYLASE OF THE PYRUVATE DEHYDROGENASE COMPLEX. Identifiers: Orphanet 765, Orphanet 79244, MedGen C1855565, MONDO:0009502, OMIM 245348.

Allele frequency attached by ClinVar (database versions not stated): ExAC 0.00003; gnomAD 0.00003 and 0.00004; TOPMed 0.00003.
gnomAD v4.1: 66 of 1,612,670 alleles (0.0041%); highest among the groups gnomAD compares: Non-Finnish European, 0.0056%; no homozygotes.

Submissions (4):

GeneDx
Classification: Uncertain significance. Last evaluated: 2025-01-14. Review status: criteria provided, single submitter. Criteria: GeneDx Variant Classification Process June 2021. Collection method: clinical testing. Allele origin: germline. Affected: yes.
Comment: Not observed at significant frequency in large population cohorts (gnomAD); In silico analysis supports that this missense variant has a deleterious effect on protein structure/function; Has not been previously published as pathogenic or benign to our knowledge; In silico analysis suggests this variant may impact gene splicing. In the absence of RNA/functional studies, the actual effect of this sequence change is unknown.

Ambry Genetics
Classification: Uncertain significance for Inborn genetic diseases. Last evaluated: 2024-11-12. Review status: criteria provided, single submitter. Criteria: Ambry Variant Classification Scheme 2023. Collection method: clinical testing. Allele origin: germline.

Labcorp Genetics (formerly Invitae), Labcorp
Classification: Uncertain significance for Pyruvate dehydrogenase E2 deficiency. Last evaluated: 2024-10-07. Review status: criteria provided, single submitter. Criteria: Invitae Variant Classification Sherloc (09022015). Collection method: clinical testing. Allele origin: germline.
Comment: This sequence change replaces serine, which is neutral and polar, with isoleucine, which is neutral and non-polar, at codon 516 of the DLAT protein (p.Ser516Ile). This variant is present in population databases (rs782629889, gnomAD 0.008%). This variant has not been reported in the literature in individuals affected with DLAT-related conditions. ClinVar contains an entry for this variant (Variation ID: 559127). Invitae Evidence Modeling of protein sequence and biophysical properties (such as structural, functional, and spatial information, amino acid conservation, physicochemical variation, residue mobility, and thermodynamic stability) indicates that this missense variant is expected to disrupt DLAT protein function with a positive predictive value of 80%. In summary, the available evidence is currently insufficient to determine the role of this variant in disease. Therefore, it has been classified as a Variant of Uncertain Significance.

Mayo Clinic Laboratories, Mayo Clinic
Classification: Uncertain significance. Last evaluated: 2016-03-08. Review status: no assertion criteria provided. Collection method: clinical testing. Allele origin: unknown. Not counted in ClinVar's aggregate classification.

NM_001931.5(DLAT):c.1547G>T (p.Ser516Ile)

Genes: PIH1D2 (PIH1 domain containing 2; minus strand), DLAT (dihydrolipoamide S-acetyltransferase; plus strand). Cytogenetic location: 11q23.1.
Variant type: single nucleotide variant.
Coding change: c.1547G>T on transcript NM_001931.5 (MANE Select); coding-DNA position 1547, G replaced by T.
Protein change: p.Ser516Ile; replaces serine 516 with isoleucine.
Molecular consequence: missense variant. On other transcripts: non-coding transcript variant (1).
Genome position (GRCh38, 1-based): chr11:112,059,935, G>T. VCF-style: chr11-112059935-G-T. GRCh37 (hg19) VCF-style: chr11-111930659-G-T.
Other names: c.1565G>T, p.Ser522Ile (NM_001372031.1); c.1541G>T, p.Ser514Ile (NM_001372032.1); c.1526G>T, p.Ser509Ile (NM_001372033.1); c.1514G>T, p.Ser505Ile (NM_001372034.1); c.1439G>T, p.Ser480Ile (NM_001372035.1); c.1421G>T, p.Ser474Ile (NM_001372036.1); c.1379G>T, p.Ser460Ile (NM_001372037.1); c.1268G>T, p.Ser423Ile (NM_001372038.1); and 4 more; short protein forms S516I, S362I, S514I, S522I, S375I, S411I, S389I, S423I.
Identifiers: ClinVar variation 559127 (VCV000559127.10), dbSNP rs782629889, ClinGen allele CA6276964.